The following is an entry in ClinVar:

NM_001256071.3(RNF213):c.13087C>T (p.Pro4363Ser)

Genes: RNF213 (ring finger protein 213; plus strand), RNF213-AS1 (RNF213 antisense RNA 1; minus strand). Cytogenetic location: 17q25.3.
Variant type: single nucleotide variant.
Coding change: c.13087C>T on transcript NM_001256071.3 (MANE Select); coding-DNA position 13087, C replaced by T.
Protein change: p.Pro4363Ser; replaces proline 4363 with serine.
Molecular consequence: missense variant.
Genome position (GRCh38, 1-based): chr17:80,375,772, C>T. VCF-style: chr17-80375772-C-T. GRCh37 (hg19) VCF-style: chr17-78349572-C-T.
Other names: c.13087C>T (NM_001256071.2); short protein forms P4363S.
Identifiers: ClinVar variation 1050103 (VCV001050103.2), dbSNP rs149230960, ClinGen allele CA8822440.

ClinVar aggregate classification (germline): Uncertain significance. Review status: criteria provided, single submitter (1 of 4 stars). 2 submissions from 2 submitters: Uncertain significance (1). 1 of the submissions does not count toward it. Last evaluated 2025-04-29.

Conditions:
RNF213-related disorder. Also called: RNF213-related condition.

Allele frequency attached by ClinVar (database versions not stated): gnomAD 0.00004 and 0.00007; ESP Exome Variant Server 0.00008; gnomAD exomes 0.00008 and 0.00006; ExAC 0.00005; TOPMed 0.00006.
gnomAD v4.1: 98 of 1,613,668 alleles (0.0061%); highest among the groups gnomAD compares: Middle Eastern, 0.033%; no homozygotes.

Submissions (2):

PreventionGenetics, part of Exact Sciences
Classification: Uncertain significance for RNF213-related condition. Last evaluated: 2025-04-29. Review status: criteria provided, single submitter. Criteria: ACMG Guidelines, 2015. Collection method: clinical testing. Allele origin: germline.
Comment: The RNF213 c.13087C>T variant is predicted to result in the amino acid substitution p.Pro4363Ser. To our knowledge, this variant has not been reported in the literature. This variant is reported in 0.013% of alleles in individuals of South Asian descent in gnomAD. At this time, the clinical significance of this variant is uncertain due to the absence of conclusive functional and genetic evidence.

Department of Pathology and Laboratory Medicine, Sinai Health System
Classification: Uncertain significance. Review status: no assertion criteria provided. Collection method: clinical testing. Allele origin: unknown. Affected: yes. Study: The Canadian Open Genetics Repository (COGR). Not counted in ClinVar's aggregate classification.
Comment: The RNF213 p.P4363S variant was not identified in the literature nor was it identified in ClinVar. The variant was identified in dbSNP (ID: rs149230960) and in control databases in 21 of 282878 chromosomes at a frequency of 0.00007424 (Genome Aggregation Database March 6, 2019, v2.1.1). The p.P4363 residue is not conserved in mammals and computational analyses (MUT Assesor, PolyPhen-2, SIFT, MutationTaster, Revel, FATHMM, MetaLR, DANN) do not suggest a high likelihood of impact to the protein; however this information is not predictive enough to rule out pathogenicity. The variant occurs outside of the splicing consensus sequence and in silico or computational prediction software programs (Splice AI exome) do not predict a difference in splicing. In summary, based on the above information the clinical significance of this variant cannot be determined with certainty at this time. This variant is classified as a variant of uncertain significance.